The following is an entry in ClinVar:

ClinVar aggregate classification (germline): Likely pathogenic. Review status: criteria provided, multiple submitters, no conflicts (2 of 4 stars). 3 submissions from 3 submitters: Likely pathogenic (3). Last evaluated 2025-08-15.

Conditions:
Johanson-Blizzard syndrome (JBS). Also called: Nasal alar hypoplasia, hypothyroidism, pancreatic achylia and congenital deafness. Identifiers: Orphanet 2315, MedGen C0175692, MONDO:0009479, OMIM 243800.
UBR1-related disorder. Also called: UBR1-related condition.

Allele frequency attached by ClinVar (database versions not stated): TOPMed below 0.00001; ExAC 0.00002; gnomAD exomes 0.00002; ESP Exome Variant Server 0.00008.
gnomAD v4.1: 24 of 1,614,180 alleles (0.0015%); highest among the groups gnomAD compares: Non-Finnish European, 0.0019%; no homozygotes.

Submissions (3):

Labcorp Genetics (formerly Invitae), Labcorp
Classification: Likely pathogenic. Last evaluated: 2025-08-15. Review status: criteria provided, single submitter. Criteria: Invitae Variant Classification Sherloc (09022015). Collection method: clinical testing. Allele origin: germline.
Comment: This sequence change replaces serine, which is neutral and polar, with proline, which is neutral and non-polar, at codon 1431 of the UBR1 protein (p.Ser1431Pro). This variant is present in population databases (rs140972409, gnomAD 0.007%). This missense change has been observed in individual(s) with Johanson-Blizzard syndrome and/or Johanson–Blizzard syndrome (PMID: 24599544). It has also been observed to segregate with disease in related individuals. ClinVar contains an entry for this variant (Variation ID: 2137658). Invitae Evidence Modeling of protein sequence and biophysical properties (such as structural, functional, and spatial information, amino acid conservation, physicochemical variation, residue mobility, and thermodynamic stability) indicates that this missense variant is not expected to disrupt UBR1 protein function with a negative predictive value of 80%. In summary, the currently available evidence indicates that the variant is pathogenic, but additional data are needed to prove that conclusively. Therefore, this variant has been classified as Likely Pathogenic.

Women's Health and Genetics/Laboratory Corporation of America, LabCorp
Classification: Likely pathogenic for Johanson-Blizzard syndrome. Last evaluated: 2024-10-30. Review status: criteria provided, single submitter. Criteria: LabCorp Variant Classification Summary - May 2015. Collection method: clinical testing. Allele origin: germline.
Comment: Variant summary: UBR1 c.4291T>C (p.Ser1431Pro) results in a non-conservative amino acid change located in the E3 ubiquitin-protein ligase UBR-like, C-terminal domain (IPR044046) of the encoded protein sequence. Three of five in-silico tools predict a damaging effect of the variant on protein function. The variant allele was found at a frequency of 1.2e-05 in 251406 control chromosomes. c.4291T>C has been reported in the literature in homozygous individuals affected with Johanson-Blizzard Syndrome (Sukalo_2014). These data indicate that the variant is likely to be associated with disease. To our knowledge, no experimental evidence demonstrating an impact on protein function has been reported. The following publication has been ascertained in the context of this evaluation (PMID: 24599544). ClinVar contains an entry for this variant (Variation ID: 2137658). Based on the evidence outlined above, the variant was classified as likely pathogenic.

Blueprint Genetics
Classification: Likely pathogenic for UBR1-related disorders. Last evaluated: 2024-02-20. Review status: criteria provided, single submitter. Criteria: ACMG Guidelines, 2015. Collection method: clinical testing. Allele origin: germline. Affected: yes. Observed: 1 variant allele.

Literature cited by the submitters: PubMed 24599544 (cited by Labcorp Genetics (formerly Invitae), Labcorp and Women's Health and Genetics/Laboratory Corporation of America, LabCorp).

NM_174916.3(UBR1):c.4291T>C (p.Ser1431Pro)

Gene: UBR1 (ubiquitin protein ligase E3 component n-recognin 1; minus strand). Cytogenetic location: 15q15.2.
Variant type: single nucleotide variant.
Coding change: c.4291T>C on transcript NM_174916.3 (MANE Select); coding-DNA position 4291, T replaced by C.
Protein change: p.Ser1431Pro; replaces serine 1431 with proline.
Molecular consequence: missense variant.
Genome position (GRCh38, 1-based): chr15:42,976,795, A>G on the plus strand (T>C on the coding strand, the complement: UBR1 is on the minus strand). VCF-style: chr15-42976795-A-G. GRCh37 (hg19) VCF-style: chr15-43268993-A-G.
Other names: short protein forms S1431P.
Identifiers: ClinVar variation 2137658 (VCV002137658.4), dbSNP rs140972409, ClinGen allele CA7517927.